The following is an entry in ClinVar:

NM_001283009.2(RTEL1):c.1410G>T (p.Gln470His)

Genes: RTEL1 (regulator of telomere elongation helicase 1; plus strand), RTEL1-TNFRSF6B (RTEL1-TNFRSF6B readthrough (NMD candidate); plus strand). Cytogenetic location: 20q13.33.
Variant type: single nucleotide variant.
Coding change: c.1410G>T on transcript NM_001283009.2 (MANE Select); coding-DNA position 1410, G replaced by T.
Protein change: p.Gln470His; replaces glutamine 470 with histidine.
Molecular consequence: missense variant. On other transcripts: non-coding transcript variant (1).
Genome position (GRCh38, 1-based): chr20:63,687,699, G>T. VCF-style: chr20-63687699-G-T. GRCh37 (hg19) VCF-style: chr20-62319052-G-T.
Other names: c.741G>T, p.Gln247His (NM_001283010.1); c.1410G>T, p.Gln470His (NM_016434.4); c.1482G>T, p.Gln494His (NM_032957.5); short protein forms Q494H, Q470H, Q247H.
Identifiers: ClinVar variation 2159691 (VCV002159691.6), dbSNP rs768191731, ClinGen allele CA9964789.

ClinVar aggregate classification (germline): Uncertain significance. Review status: criteria provided, multiple submitters, no conflicts (2 of 4 stars). 3 submissions from 3 submitters: Uncertain significance (3). Last evaluated 2025-07-03.

Conditions:
Dyskeratosis congenita, autosomal recessive 5 (DKCB5). Identifiers: MedGen C3554656, MONDO:0014076, OMIM 615190.
Pulmonary fibrosis and/or bone marrow failure, Telomere-related, 3. Also called: PULMONARY FIBROSIS AND/OR BONE MARROW FAILURE SYNDROME, TELOMERE-RELATED, 3. Identifiers: Orphanet 2032, MedGen C4225346, MONDO:0014613, OMIM 616373.
Inborn genetic diseases. Identifiers: MedGen C0950123, MeSH D030342.

Allele frequency attached by ClinVar (database versions not stated): ExAC 0.00001; gnomAD 0.00001; TOPMed 0.00001.
gnomAD v4.1: 32 of 1,606,458 alleles (0.002%); highest among the groups gnomAD compares: Non-Finnish European, 0.0023%; no homozygotes.

Submissions (3):

Labcorp Genetics (formerly Invitae), Labcorp
Classification: Uncertain significance for Dyskeratosis congenita, autosomal recessive 5; Pulmonary fibrosis and/or bone marrow failure, Telomere-related, 3. Last evaluated: 2025-07-03. Review status: criteria provided, single submitter. Criteria: Invitae Variant Classification Sherloc (09022015). Collection method: clinical testing. Allele origin: germline.
Comment: This sequence change replaces glutamine, which is neutral and polar, with histidine, which is basic and polar, at codon 470 of the RTEL1 protein (p.Gln470His). The frequency data for this variant in the population databases is considered unreliable, as metrics indicate poor data quality at this position in the gnomAD database. This variant has not been reported in the literature in individuals affected with RTEL1-related conditions. ClinVar contains an entry for this variant (Variation ID: 2159691). An algorithm developed to predict the effect of missense changes on protein structure and function (PolyPhen-2) suggests that this variant is likely to be disruptive. In summary, the available evidence is currently insufficient to determine the role of this variant in disease. Therefore, it has been classified as a Variant of Uncertain Significance.

Ambry Genetics
Classification: Uncertain significance for Inborn genetic diseases. Last evaluated: 2024-11-23. Review status: criteria provided, single submitter. Criteria: Ambry Variant Classification Scheme 2023. Collection method: clinical testing. Allele origin: germline.
Comment: The p.Q470H variant (also known as c.1410G>T), located in coding exon 16 of the RTEL1 gene, results from a G to T substitution at nucleotide position 1410. The glutamine at codon 470 is replaced by histidine, an amino acid with highly similar properties. This amino acid position is conserved. In addition, the in silico prediction for this alteration is inconclusive. Based on the available evidence, the clinical significance of this variant remains unclear.

Blueprint Genetics
Classification: Uncertain significance. Last evaluated: 2023-09-15. Review status: criteria provided, single submitter. Criteria: ACMG Guidelines, 2015. Collection method: clinical testing. Allele origin: germline.